The following is an entry in ClinVar:

ClinVar aggregate classification (germline): Uncertain significance. Review status: criteria provided, multiple submitters, no conflicts (2 of 4 stars). 2 submissions from 2 submitters: Uncertain significance (2). Last evaluated 2024-05-13.

Conditions:
Inborn genetic diseases. Identifiers: MedGen C0950123, MeSH D030342.

Allele frequency attached by ClinVar (database versions not stated): gnomAD 0.00001; TOPMed 0.00002; ExAC 0.00008; gnomAD exomes 0.00012.
gnomAD v4.1: 39 of 1,612,936 alleles (0.0024%); highest among the groups gnomAD compares: Admixed American, 0.062%; no homozygotes.

Submissions (2):

Ambry Genetics
Classification: Uncertain significance for Inborn genetic diseases. Last evaluated: 2024-05-13. Review status: criteria provided, single submitter. Criteria: Ambry Variant Classification Scheme 2023. Collection method: clinical testing. Allele origin: germline.

Labcorp Genetics (formerly Invitae), Labcorp
Classification: Uncertain significance. Last evaluated: 2021-12-02. Review status: criteria provided, single submitter. Criteria: Invitae Variant Classification Sherloc (09022015). Collection method: clinical testing. Allele origin: germline.
Comment: Algorithms developed to predict the effect of sequence changes on RNA splicing suggest that this variant may create or strengthen a splice site. In summary, the available evidence is currently insufficient to determine the role of this variant in disease. Therefore, it has been classified as a Variant of Uncertain Significance. Algorithms developed to predict the effect of missense changes on protein structure and function (SIFT, PolyPhen-2, Align-GVGD) all suggest that this variant is likely to be tolerated. This sequence change replaces glycine, which is neutral and non-polar, with valine, which is neutral and non-polar, at codon 1335 of the INTS1 protein (p.Gly1335Val). This variant is present in population databases (rs780713629, gnomAD 0.09%). This variant has not been reported in the literature in individuals affected with INTS1-related conditions.

NM_001080453.3(INTS1):c.4004G>T (p.Gly1335Val)

Gene: INTS1 (integrator complex subunit 1; minus strand). Cytogenetic location: 7p22.3.
Variant type: single nucleotide variant.
Coding change: c.4004G>T on transcript NM_001080453.3 (MANE Select); coding-DNA position 4004, G replaced by T.
Protein change: p.Gly1335Val; replaces glycine 1335 with valine.
Molecular consequence: missense variant.
Genome position (GRCh38, 1-based): chr7:1,480,387, C>A on the plus strand (G>T on the coding strand, the complement: INTS1 is on the minus strand). VCF-style: chr7-1480387-C-A. GRCh37 (hg19) VCF-style: chr7-1520023-C-A.
Other names: c.4004G>T (NM_001080453.2); short protein forms G1335V.
Identifiers: ClinVar variation 1368214 (VCV001368214.7), dbSNP rs780713629, ClinGen allele CA4119013.